The following is an entry in ClinVar:

NM_015627.3(LDLRAP1):c.877G>T (p.Asp293Tyr)

Gene: LDLRAP1 (low density lipoprotein receptor adaptor protein 1; plus strand). Cytogenetic location: 1p36.11.
Variant type: single nucleotide variant.
Coding change: c.877G>T on transcript NM_015627.3 (MANE Select); coding-DNA position 877, G replaced by T.
Protein change: p.Asp293Tyr; replaces aspartic acid 293 with tyrosine.
Molecular consequence: missense variant.
Genome position (GRCh38, 1-based): chr1:25,566,942, G>T. VCF-style: chr1-25566942-G-T. GRCh37 (hg19) VCF-style: chr1-25893433-G-T.
Other names: short protein forms D293Y.
Identifiers: ClinVar variation 3290420 (VCV003290420.1).

ClinVar aggregate classification (germline): Uncertain significance (1 of 4 stars; one submission).

Conditions:
Cardiovascular phenotype. Identifiers: MedGen CN230736.

Submission:

Ambry Genetics
Classification: Uncertain significance for Cardiovascular phenotype. Last evaluated: 2024-05-30. Review status: criteria provided, single submitter. Criteria: Ambry Variant Classification Scheme 2023. Collection method: clinical testing. Allele origin: germline.
Comment: The p.D293Y variant (also known as c.877G>T), located in coding exon 9 of the LDLRAP1 gene, results from a G to T substitution at nucleotide position 877. The aspartic acid at codon 293 is replaced by tyrosine, an amino acid with highly dissimilar properties. This amino acid position is conserved. In addition, the in silico prediction for this alteration is inconclusive. Based on the available evidence, the clinical significance of this variant remains unclear.